The following is an entry in ClinVar:

ClinVar aggregate classification (germline): Uncertain significance (1 of 4 stars; one submission).

Conditions:
Neurofibromatosis, type 1 (NF1). Also called: Neurofibromatosis, type I; VON RECKLINGHAUSEN DISEASE; NEUROFIBROMATOSIS, TYPE I, SOMATIC; Peripheral type neurofibromatosis. Identifiers: Orphanet 636, MedGen C0027831, MONDO:0018975, OMIM 162200. Disease mechanism: loss of function.

Submission:

Labcorp Genetics (formerly Invitae), Labcorp
Classification: Uncertain significance for Neurofibromatosis, type 1. Last evaluated: 2023-07-07. Review status: criteria provided, single submitter. Criteria: Invitae Variant Classification Sherloc (09022015). Collection method: clinical testing. Allele origin: germline.
Comment: This sequence change affects codon 663 of the NF1 mRNA. It is a 'silent' change, meaning that it does not change the encoded amino acid sequence of the NF1 protein. This variant is not present in population databases (gnomAD no frequency). This variant has been observed in individual(s) with neurofibromatosis type 1 (Invitae). Algorithms developed to predict the effect of sequence changes on RNA splicing suggest that this variant may disrupt the consensus splice site. In summary, the available evidence is currently insufficient to determine the role of this variant in disease. Therefore, it has been classified as a Variant of Uncertain Significance.

NM_001042492.3(NF1):c.1989G>T (p.Gly663=)

Gene: NF1 (neurofibromin 1; plus strand). Cytogenetic location: 17q11.2.
Variant type: single nucleotide variant.
Coding change: c.1989G>T on transcript NM_001042492.3 (MANE Select); coding-DNA position 1989, G replaced by T.
Protein change: p.Gly663=; no amino-acid change (glycine 663 retained).
Molecular consequence: synonymous variant.
Genome position (GRCh38, 1-based): chr17:31,225,238, G>T. VCF-style: chr17-31225238-G-T. GRCh37 (hg19) VCF-style: chr17-29552256-G-T.
Other names: c.1989G>T, p.Gly663= (NM_000267.4).
Identifiers: ClinVar variation 2843481 (VCV002843481.3), dbSNP rs2144027872, ClinGen allele CA499231924.